The following is an entry in ClinVar:

ClinVar aggregate classification (germline): Uncertain significance (1 of 4 stars; one submission).

Conditions:
Adams-Oliver syndrome 5 (AOS5). Identifiers: Orphanet 974, MedGen C4014970, MONDO:0014459, OMIM 616028.

gnomAD v4.1: 6 of 1,611,966 alleles (0.00037%); highest among the groups gnomAD compares: South Asian, 0.0066%; no homozygotes.

Submission:

Labcorp Genetics (formerly Invitae), Labcorp
Classification: Uncertain significance for Adams-Oliver syndrome 5. Last evaluated: 2025-05-07. Review status: criteria provided, single submitter. Criteria: Invitae Variant Classification Sherloc (09022015). Collection method: clinical testing. Allele origin: germline.
Comment: This sequence change affects codon 672 of the NOTCH1 mRNA. It is a 'silent' change, meaning that it does not change the encoded amino acid sequence of the NOTCH1 protein. This variant is present in population databases (no rsID available, gnomAD 0.003%). This variant has not been reported in the literature in individuals affected with NOTCH1-related conditions. Algorithms developed to predict the effect of sequence changes on RNA splicing suggest that this variant may create or strengthen a splice site. In summary, the available evidence is currently insufficient to determine the role of this variant in disease. Therefore, it has been classified as a Variant of Uncertain Significance.

NM_017617.5(NOTCH1):c.2016G>A (p.Gly672=)

Gene: NOTCH1 (notch receptor 1; minus strand). Cytogenetic location: 9q34.3.
Variant type: single nucleotide variant.
Coding change: c.2016G>A on transcript NM_017617.5 (MANE Select); coding-DNA position 2016, G replaced by A.
Protein change: p.Gly672=; no amino-acid change (glycine 672 retained).
Molecular consequence: synonymous variant.
Genome position (GRCh38, 1-based): chr9:136,514,701, C>T on the plus strand (G>A on the coding strand, the complement: NOTCH1 is on the minus strand). VCF-style: chr9-136514701-C-T. GRCh37 (hg19) VCF-style: chr9-139409153-C-T.
Identifiers: ClinVar variation 4713525 (VCV004713525.1).
Genomic context (GRCh38, chr9:136,514,701, plus strand): 5'-GGTGCCCCCGTTGTGGCAGGGGTTGCCCGCACACTCATCGATGTTGATGTTACACATGCT[C>T]CCTAAGGGCAGGGCGGGTCAGACTCCGAGGCCCAGCGCCCAGGGGGTCCCACCCACGTCA-3'
Protein context (NP_060087.3, residues 662-682): YECACEPGYT[Gly672=]SMCNINIDEC